The following is an entry in ClinVar:

ClinVar aggregate classification (germline): Uncertain significance. Review status: criteria provided, single submitter (1 of 4 stars). 2 submissions from 2 submitters: Uncertain significance (1). 1 of the submissions does not count toward it. Last evaluated 2024-07-09.

Conditions:
SPTBN5-related disorder. Also called: SPTBN5-related condition.

Allele frequency attached by ClinVar (database versions not stated): ExAC 0.00019; 1000 Genomes Project 30x 0.00031; 1000 Genomes Project 0.00040; ESP Exome Variant Server 0.00040; gnomAD 0.00052; TOPMed 0.00060.
gnomAD v4.1: 157 of 1,608,230 alleles (0.0098%); highest among the groups gnomAD compares: African/African-American, 0.18%; no homozygotes.

Submissions (2):

Ambry Genetics
Classification: Uncertain significance. Last evaluated: 2024-07-09. Review status: criteria provided, single submitter. Criteria: Ambry Variant Classification Scheme 2023. Collection method: clinical testing. Allele origin: germline.

PreventionGenetics, part of Exact Sciences
Classification: Likely benign for SPTBN5-related condition. Last evaluated: 2022-08-02. Review status: no assertion criteria provided. Collection method: clinical testing. Allele origin: germline. Not counted in ClinVar's aggregate classification.
Comment: This variant is classified as likely benign based on ACMG/AMP sequence variant interpretation guidelines (Richards et al. 2015 PMID: 25741868, with internal and published modifications).

NM_016642.4(SPTBN5):c.3004G>A (p.Val1002Met)

Gene: SPTBN5 (spectrin beta, non-erythrocytic 5; minus strand). Cytogenetic location: 15q15.1.
Variant type: single nucleotide variant.
Coding change: c.3004G>A on transcript NM_016642.4 (MANE Select); coding-DNA position 3004, G replaced by A.
Protein change: p.Val1002Met; replaces valine 1002 with methionine.
Molecular consequence: missense variant.
Genome position (GRCh38, 1-based): chr15:41,879,438, C>T on the plus strand (G>A on the coding strand, the complement: SPTBN5 is on the minus strand). VCF-style: chr15-41879438-C-T. GRCh37 (hg19) VCF-style: chr15-42171636-C-T.
Other names: c.3004G>A (NM_016642.3); short protein forms V1002M.
Identifiers: ClinVar variation 2387546 (VCV002387546.5), dbSNP rs370079673, ClinGen allele CA7503759.